The following is an entry in ClinVar:

NM_004187.5(KDM5C):c.957C>T (p.Ala319=)

Gene: KDM5C (lysine demethylase 5C; minus strand). Cytogenetic location: Xp11.22.
Variant type: single nucleotide variant.
Coding change: c.957C>T on transcript NM_004187.5 (MANE Select); coding-DNA position 957, C replaced by T.
Protein change: p.Ala319=; no amino-acid change (alanine 319 retained).
Molecular consequence: synonymous variant. On other transcripts: non-coding transcript variant (3).
Genome position (GRCh38, 1-based): chrX:53,215,801, G>A on the plus strand (C>T on the coding strand, the complement: KDM5C is on the minus strand). VCF-style: chrX-53215801-G-A. GRCh37 (hg19) VCF-style: chrX-53244983-G-A.
Other names: c.756C>T, p.Ala252= (NM_001146702.2); c.954C>T, p.Ala318= (NM_001282622.3, NM_001353979.2, NM_001353982.2); c.957C>T, p.Ala319= (NM_001353978.3, NM_001353981.2, NM_001353984.2).
Identifiers: ClinVar variation 5039993 (VCV005039993.1).

ClinVar aggregate classification (germline): Likely benign (1 of 4 stars; one submission).

Submission:

CeGaT Center for Human Genetics Tuebingen
Classification: Likely benign. Last evaluated: 2026-07-01. Review status: criteria provided, single submitter. Criteria: CeGaT Center For Human Genetics Tuebingen Variant Classification Criteria Version 2. Collection method: clinical testing. Allele origin: germline. Affected: yes. Observed: 1 variant allele.
Comment: KDM5C: PM2:Supporting, BP4, BP7